The following is an entry in ClinVar:

NM_001370259.2(MEN1):c.1729C>T (p.Leu577=)

Gene: MEN1 (menin 1; minus strand). Cytogenetic location: 11q13.1.
Variant type: single nucleotide variant.
Coding change: c.1729C>T on transcript NM_001370259.2 (MANE Select); coding-DNA position 1729, C replaced by T.
Protein change: p.Leu577=; no amino-acid change (leucine 577 retained).
Molecular consequence: synonymous variant.
Genome position (GRCh38, 1-based): chr11:64,804,438, G>A on the plus strand (C>T on the coding strand, the complement: MEN1 is on the minus strand). VCF-style: chr11-64804438-G-A. GRCh37 (hg19) VCF-style: chr11-64571910-G-A.
Other names: c.1744C>T, p.Leu582= (NM_000244.4, NM_130800.3, NM_130801.3 and 3 more transcripts); c.1855C>T, p.Leu619= (NM_001370251.2); c.1729C>T, p.Leu577= (NM_001370260.2, NM_001370261.2, NM_130799.3); c.1624C>T, p.Leu542= (NM_001370262.2, NM_001370263.2).
Identifiers: ClinVar variation 751521 (VCV000751521.14), dbSNP rs762744342, ClinGen allele CA060925.

ClinVar aggregate classification (germline): Benign/Likely benign. Review status: criteria provided, multiple submitters, no conflicts (2 of 4 stars). 3 submissions from 3 submitters: Benign (1); Likely benign (2). Last evaluated 2025-09-10.

Conditions:
Multiple endocrine neoplasia, type 1 (MEN1). Also called: MEA I; MEN I; WERMER SYNDROME; Endocrine adenomatosis multiple; MEN 1. Identifiers: Orphanet 652, MedGen C0025267, MeSH D018761, MONDO:0007540, OMIM 131100.
Hereditary cancer-predisposing syndrome. Also called: Tumor predisposition; Hereditary Cancer Syndrome; Neoplastic Syndromes, Hereditary; Hereditary neoplastic syndrome. Identifiers: Orphanet 140162, MedGen C0027672, MeSH D009386, MONDO:0015356.

Allele frequency attached by ClinVar (database versions not stated): gnomAD exomes below 0.00001; TOPMed below 0.00001; ExAC 0.00001.
gnomAD v4.1: 2 of 1,614,210 alleles (0.00012%); highest among the groups gnomAD compares: Admixed American, 0.0017%; no homozygotes.

Submissions (3):

Labcorp Genetics (formerly Invitae), Labcorp
Classification: Likely benign for Multiple endocrine neoplasia, type 1. Last evaluated: 2025-09-10. Review status: criteria provided, single submitter. Criteria: Invitae Variant Classification Sherloc (09022015). Collection method: clinical testing. Allele origin: germline.

Myriad Genetics, Inc.
Classification: Benign for Multiple endocrine neoplasia, type 1. Last evaluated: 2024-11-05. Review status: criteria provided, single submitter. Criteria: Myriad Autosomal Dominant, Autosomal Recessive and X-Linked Classification Criteria (2023). Collection method: clinical testing. Allele origin: unknown.
Comment: This variant is considered benign. This variant is a silent/synonymous amino acid change and it is not expected to impact splicing.

Ambry Genetics
Classification: Likely benign for Hereditary cancer-predisposing syndrome. Last evaluated: 2020-12-04. Review status: criteria provided, single submitter. Criteria: Ambry Variant Classification Scheme 2023. Collection method: clinical testing. Allele origin: germline.